The following is an entry in ClinVar:

ClinVar aggregate classification (germline): Uncertain significance. Review status: criteria provided, multiple submitters, no conflicts (2 of 4 stars). 2 submissions from 2 submitters: Uncertain significance (2). Last evaluated 2023-02-06.

Conditions:
Hereditary cancer-predisposing syndrome. Also called: Hereditary Cancer Syndrome; Neoplastic Syndromes, Hereditary; Hereditary neoplastic syndrome; Tumor predisposition. Identifiers: Orphanet 140162, MedGen C0027672, MeSH D009386, MONDO:0015356.
DICER1-related tumor predisposition. Also called: DICER1-related pleuropulmonary blastoma cancer predisposition syndrome; DICER1 syndrome. Identifiers: Orphanet 284343, MedGen C3839822, MONDO:0100216.

Submissions (2):

Labcorp Genetics (formerly Invitae), Labcorp
Classification: Uncertain significance for DICER1-related tumor predisposition. Last evaluated: 2023-02-06. Review status: criteria provided, single submitter. Criteria: Invitae Variant Classification Sherloc (09022015). Collection method: clinical testing. Allele origin: germline.
Comment: This sequence change replaces glutamic acid, which is acidic and polar, with lysine, which is basic and polar, at codon 80 of the DICER1 protein (p.Glu80Lys). This variant is not present in population databases (gnomAD no frequency). This variant has not been reported in the literature in individuals affected with DICER1-related conditions. ClinVar contains an entry for this variant (Variation ID: 821196). Advanced modeling of protein sequence and biophysical properties (such as structural, functional, and spatial information, amino acid conservation, physicochemical variation, residue mobility, and thermodynamic stability) performed at Invitae indicates that this missense variant is expected to disrupt DICER1 protein function. In summary, the available evidence is currently insufficient to determine the role of this variant in disease. Therefore, it has been classified as a Variant of Uncertain Significance.

Ambry Genetics
Classification: Uncertain significance for Hereditary cancer-predisposing syndrome. Last evaluated: 2022-08-19. Review status: criteria provided, single submitter. Criteria: Ambry Variant Classification Scheme 2023. Collection method: clinical testing. Allele origin: germline.
Comment: The p.E80K variant (also known as c.238G>A), located in coding exon 2 of the DICER1 gene, results from a G to A substitution at nucleotide position 238. The glutamic acid at codon 80 is replaced by lysine, an amino acid with similar properties. This amino acid position is highly conserved in available vertebrate species. In addition, the in silico prediction for this alteration is inconclusive. Since supporting evidence is limited at this time, the clinical significance of this alteration remains unclear.

NM_177438.3(DICER1):c.238G>A (p.Glu80Lys)

Gene: DICER1 (dicer 1, ribonuclease III; minus strand). Cytogenetic location: 14q32.13.
Variant type: single nucleotide variant.
Coding change: c.238G>A on transcript NM_177438.3 (MANE Select); coding-DNA position 238, G replaced by A.
Protein change: p.Glu80Lys; replaces glutamic acid 80 with lysine.
Molecular consequence: missense variant.
Genome position (GRCh38, 1-based): chr14:95,132,584, C>T on the plus strand (G>A on the coding strand, the complement: DICER1 is on the minus strand). VCF-style: chr14-95132584-C-T. GRCh37 (hg19) VCF-style: chr14-95598921-C-T.
Other names: c.238G>A, p.Glu80Lys (NM_001195573.1, NM_001271282.3, NM_001291628.2 and 1 more transcripts); short protein forms E80K.
Identifiers: ClinVar variation 821196 (VCV000821196.5), dbSNP rs1595466234, ClinGen allele CA390889870.
Genomic context (GRCh38, chr14:95,132,584, plus strand): 5'-CCAAGAACACCGTCCTTTTTCCATTTCTGCTGAAGTCTCCCCTGATCTGATAGGACAGCT[C>T]TTTAGTGAGTAGTACTGCAATAAATGTCTTCCCTGAGCCAGTGTTTAAACAGACGATGGT-3'
Protein context (NP_803187.1, residues 70-90): KTFIAVLLTK[Glu80Lys]LSYQIRGDFS